The following is an entry in ClinVar:

ClinVar aggregate classification (germline): Uncertain significance (1 of 4 stars; one submission).

Submission:

GeneDx
Classification: Uncertain significance. Last evaluated: 2024-05-23. Review status: criteria provided, single submitter. Criteria: GeneDx Variant Classification Process June 2021. Collection method: clinical testing. Allele origin: germline. Affected: yes.
Comment: Not observed at significant frequency in large population cohorts (gnomAD); In silico analysis indicates that this missense variant does not alter protein structure/function; Has not been previously published as pathogenic or benign to our knowledge

NM_012330.4(KAT6B):c.3511C>G (p.Gln1171Glu)

Gene: KAT6B (lysine acetyltransferase 6B; plus strand). Cytogenetic location: 10q22.2.
Variant type: single nucleotide variant.
Coding change: c.3511C>G on transcript NM_012330.4 (MANE Select); coding-DNA position 3511, C replaced by G.
Protein change: p.Gln1171Glu; replaces glutamine 1171 with glutamic acid.
Molecular consequence: missense variant.
Genome position (GRCh38, 1-based): chr10:75,025,096, C>G. VCF-style: chr10-75025096-C-G. GRCh37 (hg19) VCF-style: chr10-76784854-C-G.
Other names: c.2962C>G, p.Gln988Glu (NM_001256468.2, NM_001370138.1); c.2635C>G, p.Gln879Glu (NM_001256469.2, NM_001370139.1, NM_001370140.1 and 2 more transcripts); c.2473C>G, p.Gln825Glu (NM_001370132.1); c.1822C>G, p.Gln608Glu (NM_001370133.1); c.1426C>G, p.Gln476Glu (NM_001370134.1); c.1168C>G, p.Gln390Glu (NM_001370135.1); c.3511C>G, p.Gln1171Glu (NM_001370136.1, NM_001370137.1); c.2446C>G, p.Gln816Glu (NM_001370143.1, NM_001370144.1); short protein forms Q1171E, Q390E, Q476E, Q608E, Q816E, Q825E, Q879E, Q988E.
Identifiers: ClinVar variation 3383588 (VCV003383588.1).